The following is an entry in ClinVar:

ClinVar aggregate classification (germline): Pathogenic/Likely pathogenic. Review status: criteria provided, multiple submitters, no conflicts (2 of 4 stars). 4 submissions from 4 submitters: Pathogenic (2); Likely pathogenic (2). Last evaluated 2024-04-27.

Conditions:
COACH syndrome 1. Identifiers: Orphanet 1454, MedGen C5435651, MONDO:0800103, OMIM 216360, MONDO:0008996.
Joubert syndrome 6 (JBTS6). Identifiers: Orphanet 475, MedGen C1853153, MONDO:0012539, OMIM 610688.
Bardet-Biedl syndrome 14 (BBS14). Identifiers: Orphanet 110, MedGen C2673874, MONDO:0014442, OMIM 615991.
Meckel syndrome, type 3 (MKS3). Also called: MECKEL-GRUBER SYNDROME, TYPE 3. Identifiers: Orphanet 564, MedGen C1846357, MONDO:0011821, OMIM 607361.
Nephronophthisis 11 (NPHP11). Identifiers: Orphanet 84081, MedGen C3150796, MONDO:0013302, OMIM 613550.
RHYNS syndrome. Also called: RETINITIS PIGMENTOSA SYNDROME; RETINITIS PIGMENTOSA, HYPOPITUITARISM, NEPHRONOPHTHISIS, AND MILD SKELETAL DYSPLASIA. Identifiers: Orphanet 140976, MedGen C1865794, MONDO:0011202, OMIM 602152.
Meckel-Gruber syndrome. Also called: Dysencephalia splachnocystica; DYSENCEPHALIA SPLANCHNOCYSTICA; GRUBER SYNDROME. Identifiers: Orphanet 564, MedGen C0265215, MONDO:0018921.
Joubert syndrome. Also called: Familial aplasia of the vermis; CEREBELLOPARENCHYMAL DISORDER IV; JOUBERT-BOLTSHAUSER SYNDROME. Identifiers: Orphanet 475, MedGen C5979921, MONDO:0018772.
Joubert syndrome and related disorders. Identifiers: Orphanet 140874, MedGen C5679612, MONDO:0015369.

Allele frequency attached by ClinVar (database versions not stated): gnomAD exomes below 0.00001.
gnomAD v4.1: 2 of 1,614,168 alleles (0.00012%); highest among the groups gnomAD compares: South Asian, 0.0022%; no homozygotes.

Submissions (4):

Fulgent Genetics
Classification: Likely pathogenic for COACH syndrome 1; RHYNS syndrome; Meckel syndrome, type 3; Joubert syndrome 6; Nephronophthisis 11; Bardet-Biedl syndrome 14. Last evaluated: 2024-04-27. Review status: criteria provided, single submitter. Criteria: ACMG Guidelines, 2015. Collection method: clinical testing. Allele origin: germline.

Women's Health and Genetics/Laboratory Corporation of America, LabCorp
Classification: Pathogenic for Joubert syndrome and related disorders. Last evaluated: 2024-04-17. Review status: criteria provided, single submitter. Criteria: LabCorp Variant Classification Summary - May 2015. Collection method: clinical testing. Allele origin: germline.
Comment: Variant summary: TMEM67 c.50T>A (p.Leu17X) results in a premature termination codon, predicted to cause a truncation of the encoded protein or absence of the protein due to nonsense mediated decay, which are commonly known mechanisms for disease. The variant was absent in 251482 control chromosomes. c.50T>A has been reported in the literature in at-least one individual affected with Joubert Syndrome And Related Disorders (example: Issa_2020). To our knowledge, no experimental evidence demonstrating an impact on protein function has been reported. The following publication has been ascertained in the context of this evaluation (PMID: 32404165). ClinVar contains an entry for this variant (Variation ID: 596873). Based on the evidence outlined above, the variant was classified as pathogenic.

Labcorp Genetics (formerly Invitae), Labcorp
Classification: Pathogenic for Joubert syndrome; Meckel-Gruber syndrome. Last evaluated: 2023-05-20. Review status: criteria provided, single submitter. Criteria: Invitae Variant Classification Sherloc (09022015). Collection method: clinical testing. Allele origin: germline.
Comment: For these reasons, this variant has been classified as Pathogenic. ClinVar contains an entry for this variant (Variation ID: 596873). This premature translational stop signal has been observed in individual(s) with clinical features of TMEM67-related conditions (PMID: 32404165). This variant is not present in population databases (gnomAD no frequency). This sequence change creates a premature translational stop signal (p.Leu17*) in the TMEM67 gene. It is expected to result in an absent or disrupted protein product. Loss-of-function variants in TMEM67 are known to be pathogenic (PMID: 20232449, 23559409).

Eurofins Ntd Llc (ga)
Classification: Likely pathogenic. Last evaluated: 2018-05-02. Review status: criteria provided, single submitter. Criteria: EGL ClinVar v180209 classification definitions. Collection method: clinical testing. Allele origin: germline. Observed: 2 variant alleles, 2 heterozygotes.

Literature cited by the submitters: PubMed 32404165 (cited by Women's Health and Genetics/Laboratory Corporation of America, LabCorp and Labcorp Genetics (formerly Invitae), Labcorp); PubMed 20232449 (cited by Labcorp Genetics (formerly Invitae), Labcorp); PubMed 23559409 (cited by Labcorp Genetics (formerly Invitae), Labcorp).

NM_153704.6(TMEM67):c.50T>A (p.Leu17Ter)

Gene: TMEM67 (transmembrane protein 67; plus strand). Cytogenetic location: 8q22.1.
Variant type: single nucleotide variant.
Coding change: c.50T>A on transcript NM_153704.6 (MANE Select); coding-DNA position 50, T replaced by A.
Protein change: p.Leu17Ter; replaces leucine 17 with a stop codon.
Molecular consequence: nonsense. On other transcripts: non-coding transcript variant (1), intron variant (1).
Genome position (GRCh38, 1-based): chr8:93,754,964, T>A. VCF-style: chr8-93754964-T-A. GRCh37 (hg19) VCF-style: chr8-94767192-T-A.
Other names: c.-180+55T>A (NM_001142301.1); short protein forms L17*.
Identifiers: ClinVar variation 596873 (VCV000596873.10), dbSNP rs1563672487, ClinGen allele CA371685136.